The following is an entry in ClinVar:

NM_006514.4(SCN10A):c.2195T>C (p.Phe732Ser)

Gene: SCN10A (sodium voltage-gated channel alpha subunit 10; minus strand). Cytogenetic location: 3p22.2.
Variant type: single nucleotide variant.
Coding change: c.2195T>C on transcript NM_006514.4 (MANE Select); coding-DNA position 2195, T replaced by C.
Protein change: p.Phe732Ser; replaces phenylalanine 732 with serine.
Molecular consequence: missense variant.
Genome position (GRCh38, 1-based): chr3:38,739,600, A>G on the plus strand (T>C on the coding strand, the complement: SCN10A is on the minus strand). VCF-style: chr3-38739600-A-G. GRCh37 (hg19) VCF-style: chr3-38781091-A-G.
Other names: c.2195T>C, p.Phe732Ser (NM_001293306.2); c.1901T>C, p.Phe634Ser (NM_001293307.2); c.2195T>C (NM_006514.2); short protein forms F634S, F732S.
Identifiers: ClinVar variation 948735 (VCV000948735.10), dbSNP rs373216811, ClinGen allele CA72974479.
Genomic context (GRCh38, chr3:38,739,600, plus strand): 5'-AGGCTTCCCTTCTTGGCCACGCCCAGCTCTAGCAGACTCACAGTGACGATGATGCAGTCA[A>G]AGATATTCCACTTCTTCTGGAAATAATAGTATGGGTCGAAGGCAATGATTTTGAAGACCA-3'
Protein context (NP_006505.4, residues 722-742): YYYFQKKWNI[Phe732Ser]DCIIVTVSLL

ClinVar aggregate classification (germline): Uncertain significance. Review status: criteria provided, multiple submitters, no conflicts (2 of 4 stars). 4 submissions from 4 submitters: Uncertain significance (4). Last evaluated 2026-01-11.

Conditions:
Cardiovascular phenotype. Identifiers: MedGen CN230736.
Episodic pain syndrome, familial, 2 (FEPS2). Identifiers: Orphanet 306577, MedGen C3809893, MONDO:0014246, OMIM 615551.
Brugada syndrome. Also called: Sudden unexpected nocturnal death syndrome; Sudden unexplained nocturnal death syndrome; Sudden Unexplained Death Syndrome; Sudden Unexplained Nocturnal Death Syndrome (SUNDS). Identifiers: Orphanet 130, MedGen C1142166, MONDO:0015263.

Allele frequency attached by ClinVar (database versions not stated): gnomAD 0.00002; TOPMed 0.00002; ESP Exome Variant Server 0.00008.
gnomAD v4.1: 18 of 1,614,062 alleles (0.0011%); highest among the groups gnomAD compares: Non-Finnish European, 0.0014%; no homozygotes.

Submissions (4):

Labcorp Genetics (formerly Invitae), Labcorp
Classification: Uncertain significance for Brugada syndrome. Last evaluated: 2026-01-11. Review status: criteria provided, single submitter. Criteria: Invitae Variant Classification Sherloc (09022015). Collection method: clinical testing. Allele origin: germline.
Comment: This sequence change replaces phenylalanine, which is neutral and non-polar, with serine, which is neutral and polar, at codon 732 of the SCN10A protein (p.Phe732Ser). This variant is not present in population databases (gnomAD no frequency). This variant has not been reported in the literature in individuals affected with SCN10A-related conditions. ClinVar contains an entry for this variant (Variation ID: 948735). Invitae Evidence Modeling of protein sequence and biophysical properties (such as structural, functional, and spatial information, amino acid conservation, physicochemical variation, residue mobility, and thermodynamic stability) has been performed for this missense variant. However, the output from this modeling did not meet the statistical confidence thresholds required to predict the impact of this variant on SCN10A protein function. In summary, the available evidence is currently insufficient to determine the role of this variant in disease. Therefore, it has been classified as a Variant of Uncertain Significance.

Ambry Genetics
Classification: Uncertain significance for Cardiovascular phenotype. Last evaluated: 2025-08-24. Review status: criteria provided, single submitter. Criteria: Ambry Variant Classification Scheme 2023. Collection method: clinical testing. Allele origin: germline.

GeneDx
Classification: Uncertain significance. Last evaluated: 2023-07-26. Review status: criteria provided, single submitter. Criteria: GeneDx Variant Classification Process June 2021. Collection method: clinical testing. Allele origin: germline. Affected: yes.
Comment: Not observed at significant frequency in large population cohorts (gnomAD); In silico analysis supports that this missense variant has a deleterious effect on protein structure/function; Has not been previously published as pathogenic or benign to our knowledge

Fulgent Genetics
Classification: Uncertain significance for Episodic pain syndrome, familial, 2. Last evaluated: 2021-10-14. Review status: criteria provided, single submitter. Criteria: ACMG Guidelines, 2015. Collection method: clinical testing. Allele origin: unknown.